The following is an entry in ClinVar:

ClinVar aggregate classification (germline): Uncertain significance (1 of 4 stars; one submission).

gnomAD v4.1: 3 of 1,612,966 alleles (0.00019%); highest among the groups gnomAD compares: Middle Eastern, 0.017%; no homozygotes.

Submission:

GeneDx
Classification: Uncertain significance. Last evaluated: 2024-09-30. Review status: criteria provided, single submitter. Criteria: GeneDx Variant Classification Process June 2021. Collection method: clinical testing. Allele origin: germline. Affected: yes.
Comment: Not observed at significant frequency in large population cohorts (gnomAD); Missense variant in a gene in which most reported pathogenic variants are truncating/loss of function; Has not been previously published as pathogenic or benign to our knowledge; This variant is associated with the following publications: (PMID: 23975875)

NM_001267550.2(TTN):c.56251A>T (p.Ile18751Phe)

Genes: TTN-AS1 (TTN antisense RNA 1; plus strand), TTN (titin; minus strand). Cytogenetic location: 2q31.2.
Variant type: single nucleotide variant.
Coding change: c.56251A>T on transcript NM_001267550.2 (MANE Select); coding-DNA position 56251, A replaced by T.
Protein change: p.Ile18751Phe; replaces isoleucine 18751 with phenylalanine.
Molecular consequence: missense variant. On other transcripts: non-coding transcript variant (1).
Genome position (GRCh38, 1-based): chr2:178,599,650, T>A on the plus strand (A>T on the coding strand, the complement: TTN is on the minus strand). VCF-style: chr2-178599650-T-A. GRCh37 (hg19) VCF-style: chr2-179464377-T-A.
Other names: c.51328A>T, p.Ile17110Phe (NM_001256850.1); c.29056A>T, p.Ile9686Phe (NM_003319.4); c.48547A>T, p.Ile16183Phe (NM_133378.4); c.29431A>T, p.Ile9811Phe (NM_133432.3); c.29632A>T, p.Ile9878Phe (NM_133437.4); short protein forms I16183F, I17110F, I18751F, I9686F, I9811F, I9878F.
Identifiers: ClinVar variation 3774823 (VCV003774823.1).